The following is an entry in ClinVar:

ClinVar aggregate classification (germline): Uncertain significance. Review status: criteria provided, multiple submitters, no conflicts (2 of 4 stars). 3 submissions from 3 submitters: Uncertain significance (3). Last evaluated 2024-05-06.

Conditions:
Inborn genetic diseases. Identifiers: MedGen C0950123, MeSH D030342.

Allele frequency attached by ClinVar (database versions not stated): TOPMed below 0.00001; gnomAD 0.00001.

Submissions (3):

Blueprint Genetics
Classification: Uncertain significance. Last evaluated: 2024-05-06. Review status: criteria provided, single submitter. Criteria: ACMG Guidelines, 2015. Collection method: clinical testing. Allele origin: germline.

Ambry Genetics
Classification: Uncertain significance for Inborn genetic diseases. Last evaluated: 2022-08-01. Review status: criteria provided, single submitter. Criteria: Ambry Variant Classification Scheme 2023. Collection method: clinical testing. Allele origin: germline.

Labcorp Genetics (formerly Invitae), Labcorp
Classification: Uncertain significance. Last evaluated: 2022-07-29. Review status: criteria provided, single submitter. Criteria: Invitae Variant Classification Sherloc (09022015). Collection method: clinical testing. Allele origin: germline.
Comment: This sequence change replaces valine, which is neutral and non-polar, with alanine, which is neutral and non-polar, at codon 869 of the CNGB1 protein (p.Val869Ala). This variant is not present in population databases (gnomAD no frequency). This variant has not been reported in the literature in individuals affected with CNGB1-related conditions. ClinVar contains an entry for this variant (Variation ID: 1476884). Advanced modeling of protein sequence and biophysical properties (such as structural, functional, and spatial information, amino acid conservation, physicochemical variation, residue mobility, and thermodynamic stability) performed at Invitae indicates that this missense variant is expected to disrupt CNGB1 protein function. In summary, the available evidence is currently insufficient to determine the role of this variant in disease. Therefore, it has been classified as a Variant of Uncertain Significance.

NM_001297.5(CNGB1):c.2606T>C (p.Val869Ala)

Gene: CNGB1 (cyclic nucleotide gated channel subunit beta 1; minus strand). Cytogenetic location: 16q21.
Variant type: single nucleotide variant.
Coding change: c.2606T>C on transcript NM_001297.5 (MANE Select); coding-DNA position 2606, T replaced by C.
Protein change: p.Val869Ala; replaces valine 869 with alanine.
Molecular consequence: missense variant.
Genome position (GRCh38, 1-based): chr16:57,904,762, A>G on the plus strand (T>C on the coding strand, the complement: CNGB1 is on the minus strand). VCF-style: chr16-57904762-A-G. GRCh37 (hg19) VCF-style: chr16-57938666-A-G.
Other names: c.2588T>C, p.Val863Ala (NM_001286130.2); c.2606T>C (NM_001297.4); short protein forms V869A, V863A.
Identifiers: ClinVar variation 1476884 (VCV001476884.10), dbSNP rs1960495041, ClinGen allele CA396058569.
Genomic context (GRCh38, chr16:57,904,762, plus strand): 5'-TGGGGTGGGAAGCTGGGCTGGTGCCCCGATACCTGTCCGATCATCACAGAGAAAGCAAAG[A>G]CGCCCGTGAAATAATTCAGCAGCTGGAAGACAATTTCAAAGAGTGTCTTGGGGTCAGGCA-3'
Protein context (NP_001288.3, residues 859-879): VFQLLNYFTG[Val869Ala]FAFSVMIGQM